The following is an entry in ClinVar:

NM_001282531.3(ADNP):c.2213C>G (p.Ser738Ter)

Gene: ADNP (activity dependent neuroprotector homeobox; minus strand). Cytogenetic location: 20q13.13.
Variant type: single nucleotide variant.
Coding change: c.2213C>G on transcript NM_001282531.3 (MANE Select); coding-DNA position 2213, C replaced by G.
Protein change: p.Ser738Ter; replaces serine 738 with a stop codon.
Molecular consequence: nonsense.
Genome position (GRCh38, 1-based): chr20:50,892,501, G>C on the plus strand (C>G on the coding strand, the complement: ADNP is on the minus strand). VCF-style: chr20-50892501-G-C. GRCh37 (hg19) VCF-style: chr20-49509038-G-C.
Other names: c.2213C>G, p.Ser738Ter (NM_001282532.2, NM_001347511.2, NM_015339.5 and 1 more transcripts); short protein forms S738*.
Identifiers: ClinVar variation 391218 (VCV000391218.8), dbSNP rs779340209, ClinGen allele CA16608474.

ClinVar aggregate classification (germline): Pathogenic. Review status: criteria provided, multiple submitters, no conflicts (2 of 4 stars). 5 submissions from 5 submitters: Pathogenic (5). Last evaluated 2023-12-14.

Conditions:
Multiple congenital anomalies/dysmorphic syndrome-intellectual disability. Identifiers: Orphanet 102283, MedGen C5680372, MONDO:0015159.
Inborn genetic diseases. Identifiers: MedGen C0950123, MeSH D030342.
ADNP-related multiple congenital anomalies - intellectual disability - autism spectrum disorder. Also called: Helsmoortel-Van der Aa Syndrome; ADNP-Related Helsmoortel-Van der Aa Syndrome. Identifiers: Orphanet 404448, MedGen C4014538, MONDO:0014379, OMIM 615873. Disease mechanism: loss of function.

Submissions (5):

Centre of Medical Genetics, University Hospital Muenster
Classification: Pathogenic. Last evaluated: 2023-12-14. Review status: criteria provided, single submitter. Criteria: ACMG Guidelines, 2015. Collection method: clinical testing. Allele origin: de novo. Affected: yes. Observed: 1 variant allele, 1 heterozygote.
Comment: ACMG categories: PVS1,PS2,PM1,PM2,PP5

AURAGEN, Plan France Médecine Génomique
Classification: Pathogenic for Multiple congenital anomalies/dysmorphic syndrome-intellectual disability. Last evaluated: 2021-11-22. Review status: criteria provided, single submitter. Criteria: PFMG2025 (Lancet Reg Health Eur. 2025). Collection method: clinical testing. Allele origin: germline. Affected: yes.

Ambry Genetics
Classification: Pathogenic for Inborn genetic diseases. Last evaluated: 2017-08-02. Review status: criteria provided, single submitter. Criteria: Ambry exome assertion method (8-5-2015). Collection method: clinical testing. Allele origin: germline. Affected: yes. Observed: 1 variant allele.

GeneDx
Classification: Pathogenic. Last evaluated: 2016-12-20. Review status: criteria provided, single submitter. Criteria: GeneDx Variant Classification (06012015). Collection method: clinical testing. Allele origin: germline. Affected: yes.
Comment: The S738X variant in the ADNP gene has not been reported previously as a pathogenic variant nor as a benign variant, to our knowledge. This variant is predicted to cause loss of normal protein function through protein truncation as the last 365 amino acids of the ADNP protein are lost. The S738X variant was not observed in approximately 6500 individuals of European and African American ancestry in the NHLBI Exome Sequencing Project, indicating it is not a common benign variant in these populations. Therefore, we interpret S738X as a pathogenic variant

Suma Genomics
Classification: Pathogenic for ADNP-related multiple congenital anomalies - intellectual disability - autism spectrum disorder. Review status: criteria provided, single submitter. Criteria: ACMG Guidelines, 2015. Collection method: clinical testing. Allele origin: de novo. Inheritance: Autosomal dominant inheritance. Affected: yes.

Literature cited by the submitters: PubMed 28221363 (cited by Ambry Genetics); PubMed 24531329 (cited by Ambry Genetics).